The following is an entry in ClinVar:

ClinVar aggregate classification (germline): Likely pathogenic (1 of 4 stars; one submission).

Conditions:
Kufor-Rakeb syndrome (KRS). Also called: PARKINSON DISEASE 9, AUTOSOMAL RECESSIVE, JUVENILE-ONSET. Identifiers: Orphanet 306674, Orphanet 314632, MedGen C1847640, MONDO:0011706, OMIM 606693.
Autosomal recessive spastic paraplegia type 78. Identifiers: Orphanet 513436, MedGen C5567893, MONDO:0014975, OMIM 617225.

Submission:

First Genomix Gene Laboratory, Genetic Diagnostics Department
Classification: Likely pathogenic for Kufor-Rakeb syndrome; Autosomal recessive spastic paraplegia type 78. Last evaluated: 2025-04-11. Review status: criteria provided, single submitter. Criteria: ACMG Guidelines, 2015. Collection method: clinical testing. Allele origin: germline. Inheritance: Autosomal recessive inheritance. Affected: no. Observed: 1 variant allele.

NM_022089.4(ATP13A2):c.605del (p.His202fs)

Gene: ATP13A2 (ATPase cation transporting 13A2; minus strand). Cytogenetic location: 1p36.13.
Variant type: Deletion.
Coding change: c.605del on transcript NM_022089.4 (MANE Select); coding-DNA position 605, one base deleted (A; older notation c.605delA).
Protein change: p.His202fs; shifts the reading frame from histidine 202.
Molecular consequence: frameshift variant.
Genome position (GRCh38, 1-based): chr1:17,002,326, T deleted on the plus strand (A on the coding strand, the reverse complement: ATP13A2 is on the minus strand). VCF-style (leftmost placement, unchanged base first): chr1-17002325-AT-A. GRCh37 (hg19) VCF-style: chr1-17328820-AT-A.
Other names: c.605delA (NM_022089.4); c.590del, p.His197fs (NM_001141973.3, NM_001141974.3); short protein forms H197fs, H202fs.
Identifiers: ClinVar variation 4526595 (VCV004526595.1).
Genomic context (GRCh38, chr1:17,002,325, plus strand): 5'-TCAGGGCACCCCGGTCCAGGGCAGCACTGACCTCACCATTTGGTCCTGGAGGCTGAGGCC[AT>A]GGCGGGAGCGGTGGACGTCGTCACAAGAGCGGCCATGGTCCAGGAGGCTGGGGGTGGGTG-3'